The following is an entry in ClinVar:

NM_000419.5(ITGA2B):c.310+1G>A

Gene: ITGA2B (integrin subunit alpha 2b; minus strand). Cytogenetic location: 17q21.31.
Variant type: single nucleotide variant.
Coding change: c.310+1G>A on transcript NM_000419.5 (MANE Select); the canonical splice donor site of the intron after coding-DNA position 310, G replaced by A.
Molecular consequence: splice donor variant.
Genome position (GRCh38, 1-based): chr17:44,386,009, C>T on the plus strand (G>A on the coding strand, the complement: ITGA2B is on the minus strand). VCF-style: chr17-44386009-C-T. GRCh37 (hg19) VCF-style: chr17-42463377-C-T.
Other names: NM_000419.5:c.310+1G>A.
Identifiers: ClinVar variation 2498347 (VCV002498347.3), dbSNP rs776820510, ClinGen allele CA8603502.

ClinVar aggregate classification (germline): Pathogenic. Review status: reviewed by expert panel (3 of 4 stars). 2 submissions from 2 submitters: Pathogenic (1). 1 of the submissions does not count toward it. Last evaluated 2023-01-17.

Conditions:
Glanzmann thrombasthenia. Also called: Thrombasthenia; THROMBASTHENIA OF GLANZMANN AND NAEGELI; Glanzmann's thrombasthenia; PLATELET GLYCOPROTEIN IIb-IIIa DEFICIENCY. Identifiers: Orphanet 849, MedGen C0040015, MONDO:0100326.
ITGA2B-related disorder. Also called: ITGA2B-related disorders; ITGA2B-related condition.

Allele frequency attached by ClinVar (database versions not stated): gnomAD exomes below 0.00001; ExAC 0.00001; gnomAD 0.00001.
gnomAD v4.1: 3 of 1,613,854 alleles (0.00019%); highest among the groups gnomAD compares: Non-Finnish European, 0.00025%; no homozygotes.

Submissions (2):

ClinGen Platelet Disorders Variant Curation Expert Panel, ClinGen
Classification: Pathogenic for Glanzmann thrombasthenia. Last evaluated: 2023-01-17. Review status: reviewed by expert panel. Criteria: ClinGen Platelet ACMG Specifications v2-1. Collection method: curation. Allele origin: germline. Inheritance: Autosomal recessive inheritance.
Comment: The NM_000419.5(ITGA2B):c.310+1G>A variant disrupts the donor splice site in intron 2, which is predicted to cause the skipping of exon 2, leading to a frameshift with a premature stop codon in exon 3 which may trigger nonsense mediated decay in a gene in which loss-of-function is an established disease mechanism (PVS1). At least one patient (Patient 3 in PMID:19172520/GT database record 160) with this variant displayed mucocutaneous bleeding and impaired aggregation with all agonists except ristocetin, which is highly specific for Glanzmann thrombasthenia (PP4_moderate). Additionally, αIIbβ3 surface expression was reduced to <10%, as measured by flow cytometry. Patient 3 (PMID: 19172520/GT database record 160) is homozygous for this variant (0.5pt; PM3_Supporting). The highest population minor allele frequency in gnomAD v2.1.1 is 0.00001771 (2/112928 alleles) in the European non-Finnish population, which is lower than the ClinGen PD VCEP threshold (<0.0001; PM2_Supporting). In summary, this variant meets the criteria to be classified as Pathogenic for autosomal recessive Glanzmann Thrombasthenia based on the ACMG/AMP criteria applied, as specified by the ClinGen PD VCEP: PVS1, PP4_Moderate, PM2_Supporting, PM3_Supporting (VCEP specifications version 2.1).

Blueprint Genetics
Classification: Likely pathogenic for ITGA2B-related disorders. Last evaluated: 2022-10-20. Review status: criteria provided, single submitter. Criteria: ACMG Guidelines, 2015. Collection method: clinical testing. Allele origin: germline. Affected: yes. Observed: 2 variant alleles. Not counted in ClinVar's aggregate classification.